The following is an entry in ClinVar:

NM_004531.5(MOCS2):c.501+4A>G

Gene: MOCS2 (molybdenum cofactor synthesis 2; minus strand). Cytogenetic location: 5q11.2.
Variant type: single nucleotide variant.
Coding change: c.501+4A>G on transcript NM_004531.5 (MANE Select); 4 bases into the intron after coding-DNA position 501, A replaced by G.
Molecular consequence: intron variant.
Genome position (GRCh38, 1-based): chr5:53,100,407, T>C on the plus strand (A>G on the coding strand, the complement: MOCS2 is on the minus strand). VCF-style: chr5-53100407-T-C. GRCh37 (hg19) VCF-style: chr5-52396237-T-C.
Other names: c.*421+4A>G (NM_176806.4).
Identifiers: ClinVar variation 1428549 (VCV001428549.4), dbSNP rs1740874146, ClinGen allele CA1546396209.

ClinVar aggregate classification (germline): Uncertain significance (1 of 4 stars; one submission).

Allele frequency attached by ClinVar (database versions not stated): gnomAD exomes below 0.00001.
gnomAD v4.1: 5 of 1,613,784 alleles (0.00031%); highest among the groups gnomAD compares: African/African-American, 0.0053%; no homozygotes.

Submission:

Labcorp Genetics (formerly Invitae), Labcorp
Classification: Uncertain significance. Last evaluated: 2024-10-23. Review status: criteria provided, single submitter. Criteria: Invitae Variant Classification Sherloc (09022015). Collection method: clinical testing. Allele origin: germline.
Comment: This sequence change falls in intron 6 of the MOCS2B gene. It does not directly change the encoded amino acid sequence of the MOCS2B protein. It affects a nucleotide within the consensus splice site. This variant is not present in population databases (gnomAD no frequency). This variant has not been reported in the literature in individuals affected with MOCS2B-related conditions. ClinVar contains an entry for this variant (Variation ID: 1428549). Variants that disrupt the consensus splice site are a relatively common cause of aberrant splicing (PMID: 17576681, 9536098). Algorithms developed to predict the effect of sequence changes on RNA splicing suggest that this variant is not likely to affect RNA splicing. In summary, the available evidence is currently insufficient to determine the role of this variant in disease. Therefore, it has been classified as a Variant of Uncertain Significance.

Literature cited by the submitters: PubMed 17576681; PubMed 9536098.